The following is an entry in ClinVar:

ClinVar aggregate classification (germline): Uncertain significance (1 of 4 stars; one submission).

Conditions:
Usher syndrome type 1F (USH1F). Also called: USHER SYNDROME, TYPE IF. Identifiers: Orphanet 231169, Orphanet 886, MedGen C1865885, MONDO:0011186, OMIM 602083.

gnomAD v4.1: 6 of 1,610,098 alleles (0.00037%); highest among the groups gnomAD compares: Non-Finnish European, 0.00051%; no homozygotes.

Submission:

Myriad Genetics, Inc.
Classification: Uncertain significance for Usher syndrome type 1F. Last evaluated: 2025-08-13. Review status: criteria provided, single submitter. Criteria: Myriad Autosomal Dominant, Autosomal Recessive and X-Linked Classification Criteria (2023). Collection method: clinical testing. Allele origin: unknown.
Comment: NM_033056.3(PCDH15):c.4367+5G>A is an intronic variant classified as a variant of uncertain significance in the context of PCDH15-related disorders. c.4367+5G>A has been observed in a case with relevant disease (PMID: 34599366). Relevant functional assessments of this variant are not available in the literature. c.4367+5G>A has been observed in referenced population frequency databases. In summary, there is insufficient evidence to classify NM_033056.3(PCDH15):c.4367+5G>A as pathogenic or benign. Please note: this variant was assessed in the context of healthy population screening.

Literature cited by the submitters: PubMed 34599366.

NM_001384140.1(PCDH15):c.4367+5G>A

Gene: PCDH15 (protocadherin related 15; minus strand). Cytogenetic location: 10q21.1.
Variant type: single nucleotide variant.
Coding change: c.4367+5G>A on transcript NM_001384140.1 (MANE Select); 5 bases into the intron after coding-DNA position 4367, G replaced by A.
Molecular consequence: intron variant.
Genome position (GRCh38, 1-based): chr10:53,827,388, C>T on the plus strand (G>A on the coding strand, the complement: PCDH15 is on the minus strand). VCF-style: chr10-53827388-C-T. GRCh37 (hg19) VCF-style: chr10-55587148-C-T.
Other names: c.4367+5G>A (NM_001354420.2, NM_001354429.2, NM_001142772.2 and 3 more transcripts); c.4382+5G>A (NM_001142771.2, NM_001142763.2); c.4388+5G>A (NM_001354411.2); c.4403+5G>A (NM_001142769.3); c.4301+5G>A (NM_001354404.2, NM_001142768.2); c.4292+5G>A (NM_001142773.2); c.4247+5G>A (NM_001142767.2); c.4154+5G>A (NM_001142765.2); and 1 more.
Identifiers: ClinVar variation 5003651 (VCV005003651.1).